The following is an entry in ClinVar:

NM_022765.4(MICAL1):c.1223G>A (p.Arg408Gln)

Gene: MICAL1 (microtubule associated monooxygenase, calponin and LIM domain containing 1; minus strand). Cytogenetic location: 6q21.
Variant type: single nucleotide variant.
Coding change: c.1223G>A on transcript NM_022765.4 (MANE Select); coding-DNA position 1223, G replaced by A.
Protein change: p.Arg408Gln; replaces arginine 408 with glutamine.
Molecular consequence: missense variant.
Genome position (GRCh38, 1-based): chr6:109,450,054, C>T on the plus strand (G>A on the coding strand, the complement: MICAL1 is on the minus strand). VCF-style: chr6-109450054-C-T. GRCh37 (hg19) VCF-style: chr6-109771257-C-T.
Other names: c.965G>A, p.Arg322Gln (NM_001159291.2); c.1280G>A, p.Arg427Gln (NM_001286613.2); c.1223G>A (NM_022765.3); short protein forms R322Q, R408Q, R427Q.
Identifiers: ClinVar variation 1390948 (VCV001390948.8), dbSNP rs147498741, ClinGen allele CA3953463.

ClinVar aggregate classification (germline): Uncertain significance. Review status: criteria provided, multiple submitters, no conflicts (2 of 4 stars). 2 submissions from 2 submitters: Uncertain significance (2). Last evaluated 2025-10-29.

Allele frequency attached by ClinVar (database versions not stated): gnomAD exomes 0.00002 and 0.00004; ExAC 0.00003; gnomAD 0.00008 and 0.00009; TOPMed 0.00008; ESP Exome Variant Server 0.00031.

Submissions (2):

Ambry Genetics
Classification: Uncertain significance. Last evaluated: 2025-10-29. Review status: criteria provided, single submitter. Criteria: Ambry Variant Classification Scheme 2023. Collection method: clinical testing. Allele origin: germline.

Labcorp Genetics (formerly Invitae), Labcorp
Classification: Uncertain significance. Last evaluated: 2025-10-20. Review status: criteria provided, single submitter. Criteria: Invitae Variant Classification Sherloc (09022015). Collection method: clinical testing. Allele origin: germline.
Comment: This sequence change replaces arginine, which is basic and polar, with glutamine, which is neutral and polar, at codon 427 of the MICAL1 protein (p.Arg427Gln). This variant is present in population databases (rs147498741, gnomAD 0.005%). This variant has not been reported in the literature in individuals affected with MICAL1-related conditions. ClinVar contains an entry for this variant (Variation ID: 1390948). An algorithm developed to predict the effect of missense changes on protein structure and function (PolyPhen-2) suggests that this variant is likely to be disruptive. In summary, the available evidence is currently insufficient to determine the role of this variant in disease. Therefore, it has been classified as a Variant of Uncertain Significance.